The following is an entry in ClinVar:

NM_000059.4(BRCA2):c.2522G>C (p.Arg841Thr)

Gene: BRCA2 (BRCA2 DNA repair associated; plus strand). Cytogenetic location: 13q13.1.
Variant type: single nucleotide variant.
Coding change: c.2522G>C on transcript NM_000059.4 (MANE Select); coding-DNA position 2522, G replaced by C.
Protein change: p.Arg841Thr; replaces arginine 841 with threonine.
Molecular consequence: missense variant.
Genome position (GRCh38, 1-based): chr13:32,336,877, G>C. VCF-style: chr13-32336877-G-C. GRCh37 (hg19) VCF-style: chr13-32911014-G-C.
Other names: short protein forms R841T.
Identifiers: ClinVar variation 462267 (VCV000462267.11), dbSNP rs587781915, ClinGen allele CA387772469.

ClinVar aggregate classification (germline): Conflicting classifications of pathogenicity. Review status: criteria provided, conflicting classifications (1 of 4 stars). 3 submissions from 3 submitters: Uncertain significance (2); Likely benign (1). Last evaluated 2024-11-24.

Conditions:
Hereditary cancer-predisposing syndrome. Also called: Neoplastic Syndromes, Hereditary; Hereditary Cancer Syndrome; Hereditary neoplastic syndrome; Tumor predisposition. Identifiers: Orphanet 140162, MedGen C0027672, MeSH D009386, MONDO:0015356.
Hereditary breast ovarian cancer syndrome. Also called: Hereditary breast and ovarian cancer syndrome (HBOC); Hereditary breast and ovarian cancer syndrome; Breast and ovarian cancer; Hereditary breast and/or ovarian cancer syndrome; Hereditary breast and ovarian cancer; BRCA1- and BRCA2-Associated Hereditary Breast and Ovarian Cancer. Identifiers: Orphanet 145, MedGen C0677776, MeSH D061325, MONDO:0003582. Disease mechanism: loss of function.

gnomAD v4.1: 1 of 1,610,822 alleles (0.000062%); no homozygotes.

Submissions (3):

Labcorp Genetics (formerly Invitae), Labcorp
Classification: Uncertain significance for Hereditary breast ovarian cancer syndrome. Last evaluated: 2024-11-24. Review status: criteria provided, single submitter. Criteria: Invitae Variant Classification Sherloc (09022015). Collection method: clinical testing. Allele origin: germline.
Comment: This sequence change replaces arginine, which is basic and polar, with threonine, which is neutral and polar, at codon 841 of the BRCA2 protein (p.Arg841Thr). This variant is not present in population databases (gnomAD no frequency). This variant has not been reported in the literature in individuals affected with BRCA2-related conditions. ClinVar contains an entry for this variant (Variation ID: 462267). Invitae Evidence Modeling of protein sequence and biophysical properties (such as structural, functional, and spatial information, amino acid conservation, physicochemical variation, residue mobility, and thermodynamic stability) indicates that this missense variant is not expected to disrupt BRCA2 protein function with a negative predictive value of 95%. In summary, the available evidence is currently insufficient to determine the role of this variant in disease. Therefore, it has been classified as a Variant of Uncertain Significance.

Color Diagnostics, LLC DBA Color Health
Classification: Uncertain significance for Hereditary cancer-predisposing syndrome. Last evaluated: 2024-04-07. Review status: criteria provided, single submitter. Criteria: ACMG Guidelines, 2015. Collection method: clinical testing. Allele origin: germline.
Comment: This missense variant replaces arginine with threonine at codon 841 of the BRCA2 protein. Computational prediction suggests that this variant may not impact protein structure and function (internally defined REVEL score threshold <= 0.5, PMID: 27666373). To our knowledge, functional studies have not been reported for this variant. This variant has not been reported in individuals affected with BRCA2-related disorders in the literature. This variant has not been identified in the general population by the Genome Aggregation Database (gnomAD). The available evidence is insufficient to determine the role of this variant in disease conclusively. Therefore, this variant is classified as a Variant of Uncertain Significance.

University of Washington Department of Laboratory Medicine, University of Washington
Classification: Likely benign for Hereditary cancer-predisposing syndrome. Last evaluated: 2023-03-23. Review status: criteria provided, single submitter. Criteria: Dines et al. (Genet Med. 2020). Collection method: curation. Allele origin: germline.
Comment: Missense variant in a coldspot region where missense variants are very unlikely to be pathogenic (PMID:31911673).

BRCA2 exon 11 coldspot. Reclassification based on statistical prior probability.